The following is an entry in ClinVar:

ClinVar aggregate classification (germline): Uncertain significance (1 of 4 stars; one submission).

gnomAD v4.1: 7 of 1,613,052 alleles (0.00043%); highest among the groups gnomAD compares: South Asian, 0.0066%; no homozygotes.

Submission:

GeneDx
Classification: Uncertain significance. Last evaluated: 2023-03-20. Review status: criteria provided, single submitter. Criteria: GeneDx Variant Classification Process June 2021. Collection method: clinical testing. Allele origin: germline. Affected: yes.
Comment: In silico analysis supports that this missense variant has a deleterious effect on protein structure/function; Has not been previously published as pathogenic or benign to our knowledge

NM_001170535.3(ATAD3A):c.950G>C (p.Gly317Ala)

Gene: ATAD3A (ATPase family AAA domain containing 3A; plus strand). Cytogenetic location: 1p36.33.
Variant type: single nucleotide variant.
Coding change: c.950G>C on transcript NM_001170535.3 (MANE Select); coding-DNA position 950, G replaced by C.
Protein change: p.Gly317Ala; replaces glycine 317 with alanine.
Molecular consequence: missense variant.
Genome position (GRCh38, 1-based): chr1:1,523,554, G>C. VCF-style: chr1-1523554-G-C. GRCh37 (hg19) VCF-style: chr1-1458934-G-C.
Other names: c.713G>C, p.Gly238Ala (NM_001170536.3); c.1094G>C, p.Gly365Ala (NM_018188.5); short protein forms G238A, G317A, G365A.
Identifiers: ClinVar variation 2663345 (VCV002663345.1), dbSNP rs770982421, ClinGen allele CA526087.